The following is an entry in ClinVar:

NM_001304438.2(TMEM132E):c.1376G>A (p.Arg459Gln)

Gene: TMEM132E (transmembrane protein 132E; plus strand). Cytogenetic location: 17q12.
Variant type: single nucleotide variant.
Coding change: c.1376G>A on transcript NM_001304438.2 (MANE Select); coding-DNA position 1376, G replaced by A.
Protein change: p.Arg459Gln; replaces arginine 459 with glutamine.
Molecular consequence: missense variant.
Genome position (GRCh38, 1-based): chr17:34,630,045, G>A. VCF-style: chr17-34630045-G-A. GRCh37 (hg19) VCF-style: chr17-32957064-G-A.
Other names: short protein forms R459Q.
Identifiers: ClinVar variation 1925532 (VCV001925532.5), dbSNP rs368041322, ClinGen allele CA8496684.

ClinVar aggregate classification (germline): Uncertain significance (1 of 4 stars; one submission).

Allele frequency attached by ClinVar (database versions not stated): gnomAD 0.00003; TOPMed 0.00003; ExAC 0.00007; ESP Exome Variant Server 0.00008.
gnomAD v4.1: 48 of 1,612,766 alleles (0.003%); highest among the groups gnomAD compares: South Asian, 0.04%; no homozygotes.

Submission:

Labcorp Genetics (formerly Invitae), Labcorp
Classification: Uncertain significance. Last evaluated: 2023-11-27. Review status: criteria provided, single submitter. Criteria: Invitae Variant Classification Sherloc (09022015). Collection method: clinical testing. Allele origin: germline.
Comment: This sequence change replaces arginine, which is basic and polar, with glutamine, which is neutral and polar, at codon 459 of the TMEM132E protein (p.Arg459Gln). This variant is present in population databases (rs368041322, gnomAD 0.04%). This variant has not been reported in the literature in individuals affected with TMEM132E-related conditions. ClinVar contains an entry for this variant (Variation ID: 1925532). Experimental studies and prediction algorithms are not available or were not evaluated, and the functional significance of this variant is currently unknown. In summary, the available evidence is currently insufficient to determine the role of this variant in disease. Therefore, it has been classified as a Variant of Uncertain Significance.